The following is an entry in ClinVar:

ClinVar aggregate classification (germline): Uncertain significance. Review status: criteria provided, multiple submitters, no conflicts (2 of 4 stars). 2 submissions from 2 submitters: Uncertain significance (2). Last evaluated 2023-04-05.

gnomAD v4.1: 12 of 1,566,132 alleles (0.00077%); highest among the groups gnomAD compares: Non-Finnish European, 0.001%; no homozygotes.

Submissions (2):

Labcorp Genetics (formerly Invitae), Labcorp
Classification: Uncertain significance. Last evaluated: 2023-04-05. Review status: criteria provided, single submitter. Criteria: Invitae Variant Classification Sherloc (09022015). Collection method: clinical testing. Allele origin: germline.
Comment: This sequence change replaces proline, which is neutral and non-polar, with leucine, which is neutral and non-polar, at codon 894 of the COL18A1 protein (p.Pro894Leu). The frequency data for this variant in the population databases is considered unreliable, as metrics indicate poor data quality at this position in the gnomAD database. In summary, the available evidence is currently insufficient to determine the role of this variant in disease. Therefore, it has been classified as a Variant of Uncertain Significance. Experimental studies and prediction algorithms are not available or were not evaluated, and the functional significance of this variant is currently unknown. ClinVar contains an entry for this variant (Variation ID: 1354323). This variant has not been reported in the literature in individuals affected with COL18A1-related conditions.

Blueprint Genetics
Classification: Uncertain significance. Last evaluated: 2022-03-18. Review status: criteria provided, single submitter. Criteria: ACMG Guidelines, 2015. Collection method: clinical testing. Allele origin: germline.

NM_001379500.1(COL18A1):c.2681C>T (p.Pro894Leu)

Gene: COL18A1 (collagen type XVIII alpha 1 chain; plus strand). Cytogenetic location: 21q22.3.
Variant type: single nucleotide variant.
Coding change: c.2681C>T on transcript NM_001379500.1 (MANE Select); coding-DNA position 2681, C replaced by T.
Protein change: p.Pro894Leu; replaces proline 894 with leucine.
Molecular consequence: missense variant.
Genome position (GRCh38, 1-based): chr21:45,497,659, C>T. VCF-style: chr21-45497659-C-T. GRCh37 (hg19) VCF-style: chr21-46917573-C-T.
Other names: c.3221C>T, p.Pro1074Leu (NM_030582.4); c.3926C>T, p.Pro1309Leu (NM_130444.3); short protein forms P894L, P1074L, P1309L.
Identifiers: ClinVar variation 1354323 (VCV001354323.5), dbSNP rs946508947, ClinGen allele CA410498250.